The following is an entry in ClinVar:

ClinVar aggregate classification (germline): Uncertain significance. Review status: criteria provided, multiple submitters, no conflicts (2 of 4 stars). 2 submissions from 2 submitters: Uncertain significance (2). Last evaluated 2025-05-05.

Conditions:
ALG12-congenital disorder of glycosylation (CDG1G). Also called: Congenital disorder of glycosylation, type Ig; ALG12-CDG; CDG Ig. Identifiers: Orphanet 79324, MedGen C2931001, MONDO:0011783, OMIM 607143.

Allele frequency attached by ClinVar (database versions not stated): gnomAD exomes 0.00002; TOPMed 0.00002; ExAC 0.00002.
gnomAD v4.1: 27 of 1,613,658 alleles (0.0017%); highest among the groups gnomAD compares: African/African-American, 0.0053%; no homozygotes.

Submissions (2):

Labcorp Genetics (formerly Invitae), Labcorp
Classification: Uncertain significance for ALG12-congenital disorder of glycosylation. Last evaluated: 2025-05-05. Review status: criteria provided, single submitter. Criteria: Invitae Variant Classification Sherloc (09022015). Collection method: clinical testing. Allele origin: germline.
Comment: This sequence change replaces threonine, which is neutral and polar, with methionine, which is neutral and non-polar, at codon 145 of the ALG12 protein (p.Thr145Met). This variant is present in population databases (rs748460466, gnomAD 0.01%). This variant has not been reported in the literature in individuals affected with ALG12-related conditions. ClinVar contains an entry for this variant (Variation ID: 656000). Invitae Evidence Modeling of protein sequence and biophysical properties (such as structural, functional, and spatial information, amino acid conservation, physicochemical variation, residue mobility, and thermodynamic stability) has been performed for this missense variant. However, the output from this modeling did not meet the statistical confidence thresholds required to predict the impact of this variant on ALG12 protein function. In summary, the available evidence is currently insufficient to determine the role of this variant in disease. Therefore, it has been classified as a Variant of Uncertain Significance.

3billion
Classification: Uncertain significance for ALG12-congenital disorder of glycosylation. Last evaluated: 2023-07-25. Review status: criteria provided, single submitter. Criteria: ACMG Guidelines, 2015. Collection method: clinical testing. Allele origin: germline. Affected: yes.
Comment: The variant is observed at an extremely low frequency in the gnomAD v2.1.1 dataset (total allele frequency: 0.003%). Predicted Consequence/Location: Missense variant In silico tool predictions suggest the damaging effect of the variant on the gene or gene product (REVEL: 0.78; 3Cnet: 0.70). Therefore, this variant is classified as VUS according to the recommendation of ACMG/AMP guideline.

NM_024105.4(ALG12):c.434C>T (p.Thr145Met)

Gene: ALG12 (ALG12 alpha-1,6-mannosyltransferase; minus strand). Cytogenetic location: 22q13.33.
Variant type: single nucleotide variant.
Coding change: c.434C>T on transcript NM_024105.4 (MANE Select); coding-DNA position 434, C replaced by T.
Protein change: p.Thr145Met; replaces threonine 145 with methionine.
Molecular consequence: missense variant.
Genome position (GRCh38, 1-based): chr22:49,910,469, G>A on the plus strand (C>T on the coding strand, the complement: ALG12 is on the minus strand). VCF-style: chr22-49910469-G-A. GRCh37 (hg19) VCF-style: chr22-50304117-G-A.
Other names: short protein forms T145M.
Identifiers: ClinVar variation 656000 (VCV000656000.6), dbSNP rs748460466, ClinGen allele CA10300623.
Genomic context (GRCh38, chr22:49,910,469, plus strand): 5'-GCAGGCCCGGCCGGCAGCTACGTACCTACAGGCAGGGCCAGCACATTGGGCAGTGTCCGC[G>A]TGCAGTAGAACATCAGGTGGAACTGCATGGCCGTCACCCAGCAGAACATGGTGGCCACCA-3'
Protein context (NP_077010.1, residues 135-155): AMQFHLMFYC[Thr145Met]RTLPNVLALP